The following is an entry in ClinVar:

ClinVar aggregate classification (germline): Uncertain significance (1 of 4 stars; one submission).

Submission:

GeneDx
Classification: Uncertain significance. Last evaluated: 2023-06-26. Review status: criteria provided, single submitter. Criteria: GeneDx Variant Classification Process June 2021. Collection method: clinical testing. Allele origin: germline. Affected: yes.
Comment: Not observed at significant frequency in large population cohorts (gnomAD); In silico analysis supports that this missense variant has a deleterious effect on protein structure/function; Has not been previously published as pathogenic or benign to our knowledge

NM_001694.4(ATP6V0C):c.350G>A (p.Gly117Asp)

Gene: ATP6V0C (ATPase H+ transporting V0 subunit c; plus strand). Cytogenetic location: 16p13.3.
Variant type: single nucleotide variant.
Coding change: c.350G>A on transcript NM_001694.4 (MANE Select); coding-DNA position 350, G replaced by A.
Protein change: p.Gly117Asp; replaces glycine 117 with aspartic acid.
Molecular consequence: missense variant.
Genome position (GRCh38, 1-based): chr16:2,519,627, G>A. VCF-style: chr16-2519627-G-A. GRCh37 (hg19) VCF-style: chr16-2569628-G-A.
Other names: c.350G>A, p.Gly117Asp (NM_001198569.2); short protein forms G117D.
Identifiers: ClinVar variation 3360414 (VCV003360414.1).